The following is an entry in ClinVar:

ClinVar aggregate classification (germline): Uncertain significance (1 of 4 stars; one submission).

Submission:

GeneDx
Classification: Uncertain significance. Last evaluated: 2025-01-23. Review status: criteria provided, single submitter. Criteria: GeneDx Variant Classification Process June 2021. Collection method: clinical testing. Allele origin: germline. Affected: yes.
Comment: Not observed at significant frequency in large population cohorts (gnomAD); In-frame deletion of 2 amino acid(s) and insertion of 1 different amino acid(s) in a non-repeat region; In silico analysis indicates that this variant does not alter protein structure/function; Has not been previously published as pathogenic or benign to our knowledge

NM_001367479.1(DNAH14):c.3002_3004del (p.Lys1001_Leu1002delinsIle)

Gene: DNAH14 (dynein axonemal heavy chain 14; plus strand). Cytogenetic location: 1q42.12.
Variant type: Deletion.
Coding change: c.3002_3004del on transcript NM_001367479.1 (MANE Select); coding-DNA positions 3002 to 3004, 3 bases deleted (AAC; older notation c.3002_3004delAAC).
Protein change: p.Lys1001_Leu1002delinsIle.
Molecular consequence: inframe indel.
Genome position (GRCh38, 1-based): chr1:225,080,614-225,080,616, AAC deleted. VCF-style (leftmost placement, unchanged base first): chr1-225080613-AAAC-A. GRCh37 (hg19) VCF-style: chr1-225268315-AAAC-A.
Other names: NM_001373.1:c.3002_3004del.
Identifiers: ClinVar variation 4071671 (VCV004071671.1).